The following is an entry in ClinVar:

NM_001267550.2(TTN):c.97100G>A (p.Arg32367His)

Genes: TTN (titin; minus strand), TTN-AS1 (TTN antisense RNA 1; plus strand). Cytogenetic location: 2q31.2.
Variant type: single nucleotide variant.
Coding change: c.97100G>A on transcript NM_001267550.2 (MANE Select); coding-DNA position 97100, G replaced by A.
Protein change: p.Arg32367His; replaces arginine 32367 with histidine.
Molecular consequence: missense variant.
Genome position (GRCh38, 1-based): chr2:178,542,754, C>T on the plus strand (G>A on the coding strand, the complement: TTN is on the minus strand). VCF-style: chr2-178542754-C-T. GRCh37 (hg19) VCF-style: chr2-179407481-C-T.
Other names: c.92177G>A, p.Arg30726His (NM_001256850.1); c.69905G>A, p.Arg23302His (NM_003319.4); c.89396G>A, p.Arg29799His (NM_133378.4); c.70280G>A, p.Arg23427His (NM_133432.3); c.70481G>A, p.Arg23494His (NM_133437.4); short protein forms R23494H, R30726H, R32367H, R23427H, R23302H, R29799H.
Identifiers: ClinVar variation 1756479 (VCV001756479.4), dbSNP rs777181557, ClinGen allele CA1986630.

ClinVar aggregate classification (germline): Uncertain significance. Review status: criteria provided, multiple submitters, no conflicts (2 of 4 stars). 3 submissions from 3 submitters: Uncertain significance (3). Last evaluated 2024-03-12.

Conditions:
Cardiovascular phenotype. Identifiers: MedGen CN230736.

Allele frequency attached by ClinVar (database versions not stated): ExAC 0.00001; gnomAD 0.00001; TOPMed 0.00001; gnomAD exomes 0.00002.
gnomAD v4.1: 24 of 1,613,636 alleles (0.0015%); highest among the groups gnomAD compares: African/African-American, 0.0027%; no homozygotes.

Submissions (3):

Blueprint Genetics
Classification: Uncertain significance. Last evaluated: 2024-03-12. Review status: criteria provided, single submitter. Criteria: ACMG Guidelines, 2015. Collection method: clinical testing. Allele origin: germline.

ARUP Laboratories, Molecular Genetics and Genomics, ARUP Laboratories
Classification: Uncertain significance. Last evaluated: 2023-12-26. Review status: criteria provided, single submitter. Criteria: ARUP Molecular Germline Variant Investigation Process 2024. Collection method: clinical testing. Allele origin: germline.
Comment: The TTN c.97100G>A; p.Arg32367His variant (rs777181557; ClinVar Variation ID: 1756479) is rare in the general population (<0.2% allele frequency in the Genome Aggregation Database) and has not been reported in the medical literature in association with dilated cardiomyopathy (DCM) or other TTN-related disease. The clinical relevance of rare missense variants in this gene, which are identified on average once per individual sequenced in affected populations (Herman 2012), is not well understood. Yet, evidence suggests that the vast majority of such missense variants do not contribute to the clinical outcome of DCM (Begay 2015). Thus, the clinical significance of the p.Arg32367His variant cannot be determined with certainty. References: Begay RL et al. Role of Titin Missense Variants in Dilated Cardiomyopathy. J Am Heart Assoc. 2015 Nov 13;4(11). PMID: 26567375. Herman DS et al. Truncations of titin causing dilated cardiomyopathy. N Engl J Med. 2012 Feb 16;366(7):619-28. PMID: 22335739. Linke WA and Hamdani N. Gigantic business: titin properties and function through thick and thin. Circ Res 2014; 114(6): 1052-1068. PMID: 24625729.

Ambry Genetics
Classification: Uncertain significance for Cardiovascular phenotype. Last evaluated: 2018-11-27. Review status: criteria provided, single submitter. Criteria: Ambry Variant Classification Scheme 2023. Collection method: clinical testing. Allele origin: germline.
Comment: The p.R23302H variant (also known as c.69905G>A), located in coding exon 175 of the TTN gene, results from a G to A substitution at nucleotide position 69905. The arginine at codon 23302 is replaced by histidine, an amino acid with highly similar properties. This amino acid position is well conserved in available vertebrate species. In addition, this alteration is predicted to be tolerated by in silico analysis. Since supporting evidence is limited at this time, the clinical significance of this alteration remains unclear.